The following is an entry in ClinVar:

NM_000747.3(CHRNB1):c.419G>A (p.Arg140His)

Gene: CHRNB1 (cholinergic receptor nicotinic beta 1 subunit; plus strand). Cytogenetic location: 17p13.1.
Variant type: single nucleotide variant.
Coding change: c.419G>A on transcript NM_000747.3 (MANE Select); coding-DNA position 419, G replaced by A.
Protein change: p.Arg140His; replaces arginine 140 with histidine.
Molecular consequence: missense variant.
Genome position (GRCh38, 1-based): chr17:7,447,108, G>A. VCF-style: chr17-7447108-G-A. GRCh37 (hg19) VCF-style: chr17-7350427-G-A.
Other names: short protein forms R140H.
Identifiers: ClinVar variation 4228499 (VCV004228499.2).

ClinVar aggregate classification (germline): Uncertain significance. Review status: criteria provided, multiple submitters, no conflicts (2 of 4 stars). 2 submissions from 2 submitters: Uncertain significance (2). Last evaluated 2026-02-04.

Conditions:
Inborn genetic diseases. Identifiers: MedGen C0950123, MeSH D030342.

Submissions (2):

Women's Health and Genetics/Laboratory Corporation of America, LabCorp
Classification: Uncertain significance. Last evaluated: 2026-02-04. Review status: criteria provided, single submitter. Criteria: LabCorp Variant Classification Summary - May 2015. Collection method: clinical testing. Allele origin: germline.
Comment: Variant summary: CHRNB1 c.419G>A (p.Arg140His) results in a non-conservative amino acid change in the encoded protein sequence. Algorithms developed to predict the effect of missense changes on protein structure and function are either unavailable or do not agree on the potential impact of this missense change. The variant was absent in 251426 control chromosomes. The available data on variant occurrences in the general population are insufficient to allow any conclusion about variant significance. To our knowledge, no occurrence of c.419G>A in individuals affected with CHRNB1-related conditions and no experimental evidence demonstrating its impact on protein function have been reported. ClinVar contains an entry for this variant (Variation ID: 4228499). Based on the evidence outlined above, the variant was classified as uncertain significance.

Ambry Genetics
Classification: Uncertain significance for Inborn genetic diseases. Last evaluated: 2025-08-07. Review status: criteria provided, single submitter. Criteria: Ambry Variant Classification Scheme 2023. Collection method: clinical testing. Allele origin: germline.